The following is an entry in ClinVar:

ClinVar aggregate classification (germline): Uncertain significance (1 of 4 stars; one submission).

Conditions:
Ehlers-Danlos syndrome, kyphoscoliotic type 1 (EDSKSCL1). Also called: Ehlers-Danlos syndrome, hydroxylysine-deficient; EHLERS-DANLOS SYNDROME, OCULAR-SCOLIOTIC TYPE; PLOD1-Related Kyphoscoliotic Ehlers-Danlos Syndrome; EHLERS-DANLOS SYNDROME, TYPE VIA. Identifiers: Orphanet 1900, MedGen C0268342, MONDO:0016002, OMIM 225400. Disease mechanism: loss of function.

Submission:

ARUP Laboratories, Molecular Genetics and Genomics, ARUP Laboratories
Classification: Uncertain significance for Ehlers-Danlos syndrome, kyphoscoliotic type 1. Last evaluated: 2025-04-17. Review status: criteria provided, single submitter. Criteria: ARUP Molecular Germline Variant Investigation Process 2024. Collection method: clinical testing. Allele origin: germline.
Comment: The PLOD1 c.8C>T; p.Pro3Leu variant, to our knowledge, is not reported in the medical literature or gene specific databases. This variant is also absent from the Genome Aggregation Database (v2.1.1), indicating it is not a common polymorphism. Computational analyses predict that this variant is neutral (REVEL: 0.123). Due to limited information, the clinical significance of this variant is uncertain at this time.

NM_000302.4(PLOD1):c.8C>T (p.Pro3Leu)

Gene: PLOD1 (procollagen-lysine,2-oxoglutarate 5-dioxygenase 1; plus strand). Cytogenetic location: 1p36.22.
Variant type: single nucleotide variant.
Coding change: c.8C>T on transcript NM_000302.4 (MANE Select); coding-DNA position 8, C replaced by T.
Protein change: p.Pro3Leu; replaces proline 3 with leucine.
Molecular consequence: missense variant.
Genome position (GRCh38, 1-based): chr1:11,934,787, C>T. VCF-style: chr1-11934787-C-T. GRCh37 (hg19) VCF-style: chr1-11994844-C-T.
Other names: c.8C>T, p.Pro3Leu (NM_001316320.2); short protein forms P3L.
Identifiers: ClinVar variation 4685766 (VCV004685766.1).